The following is an entry in ClinVar:

ClinVar aggregate classification (germline): Conflicting classifications of pathogenicity. Review status: criteria provided, conflicting classifications (1 of 4 stars). 3 submissions from 3 submitters: Uncertain significance (2); Likely benign (1). Last evaluated 2026-01-13.

Conditions:
Autosomal recessive limb-girdle muscular dystrophy type 2Q (LGMDR17). Also called: MUSCULAR DYSTROPHY, LIMB-GIRDLE, AUTOSOMAL RECESSIVE 17. Identifiers: Orphanet 254361, MedGen C3150989, MONDO:0013390, OMIM 613723.
Epidermolysis bullosa simplex 5B, with muscular dystrophy (EBS5B). Also called: EPIDERMOLYSIS BULLOSA SIMPLEX AND LIMB-GIRDLE MUSCULAR DYSTROPHY; Epidermolysis bullosa simplex with muscular dystrophy. Identifiers: Orphanet 257, MedGen C2931072, MONDO:0009181, OMIM 226670.
Epidermolysis bullosa simplex, Ogna type (EBS5A). Also called: Pidermolysis bullosa simplex 5A, Ogna type; EPIDERMOLYSIS BULLOSA SIMPLEX 5A, OGNA TYPE. Identifiers: Orphanet 79401, MedGen C0432317, MONDO:0007555, OMIM 131950.
Epidermolysis bullosa simplex with nail dystrophy (EBS5D). Identifiers: MedGen C4225309, MONDO:0014661, OMIM 616487.
Epidermolysis bullosa simplex 5C, with pyloric atresia (EBS5C). Also called: PLEC-Related Epidermolysis Bullosa with Pyloric Atresia; Epidermolysis bullosa simplex with pyloric atresia; PLEC1-Related Epidermolysis Bullosa with Pyloric Atresia. Identifiers: Orphanet 158684, MedGen C2677349, MONDO:0012807, OMIM 612138.

Allele frequency attached by ClinVar (database versions not stated): ExAC 0.00001; gnomAD exomes 0.00002 and 0.00011; gnomAD 0.00003 and 0.00004; TOPMed 0.00004; ESP Exome Variant Server 0.00015.
gnomAD v4.1: 160 of 1,607,580 alleles (0.01%); highest among the groups gnomAD compares: Non-Finnish European, 0.014%; no homozygotes.

Submissions (3):

Labcorp Genetics (formerly Invitae), Labcorp
Classification: Likely benign for Autosomal recessive limb-girdle muscular dystrophy type 2Q; Epidermolysis bullosa simplex, Ogna type; Epidermolysis bullosa simplex with nail dystrophy; Epidermolysis bullosa simplex 5C, with pyloric atresia; Epidermolysis bullosa simplex 5B, with muscular dystrophy. Last evaluated: 2026-01-13. Review status: criteria provided, single submitter. Criteria: Invitae Variant Classification Sherloc (09022015). Collection method: clinical testing. Allele origin: germline.

Athena Diagnostics
Classification: Uncertain significance. Last evaluated: 2024-04-17. Review status: criteria provided, single submitter. Criteria: Athena Diagnostics Criteria. Collection method: clinical testing. Allele origin: unknown.
Comment: Available data are insufficient to determine the clinical significance of the variant at this time. The frequency of this variant in the general population is uninformative in assessment of its pathogenicity. Computational tools yielded predictions that this variant may interfere with normal RNA splicing.

Eurofins Ntd Llc (ga)
Classification: Uncertain significance. Last evaluated: 2018-08-16. Review status: criteria provided, single submitter. Criteria: EGL ClinVar v180209 classification definitions. Collection method: clinical testing. Allele origin: germline. Observed: 4 variant alleles, 4 heterozygotes.

NM_201384.3(PLEC):c.265-9T>G

Gene: PLEC (plectin; minus strand). Cytogenetic location: 8q24.3.
Variant type: single nucleotide variant.
Coding change: c.265-9T>G on transcript NM_201384.3 (MANE Select); 9 bases into the intron before coding-DNA position 265, T replaced by G.
Molecular consequence: intron variant.
Genome position (GRCh38, 1-based): chr8:143,937,251, A>C on the plus strand (T>G on the coding strand, the complement: PLEC is on the minus strand). VCF-style: chr8-143937251-A-C. GRCh37 (hg19) VCF-style: chr8-145011419-A-C.
Other names: c.346-9T>G (NM_000445.5); c.223-9T>G (NM_201378.4); c.199-9T>G (NM_201379.3); c.676-9T>G (NM_201380.4); c.169-9T>G (NM_201381.3); c.265-9T>G (NM_201382.4); c.277-9T>G (NM_201383.3).
Identifiers: ClinVar variation 440964 (VCV000440964.13), dbSNP rs376483549, ClinGen allele CA4928509.